The following is an entry in ClinVar:

NM_000128.4(F11):c.1325dup (p.Leu442fs)

Gene: F11 (coagulation factor XI; plus strand). Cytogenetic location: 4q35.2.
Variant type: Duplication.
Coding change: c.1325dup on transcript NM_000128.4 (MANE Select); coding-DNA position 1325, one base duplicated (T; older notation c.1325dupT).
Protein change: p.Leu442fs; shifts the reading frame from leucine 442.
Molecular consequence: frameshift variant.
Genome position (GRCh38, 1-based): chr4:186,285,658, T duplicated; the last of 4 consecutive T bases (chr4:186,285,655-186,285,658); duplicating any one gives the same sequence. VCF-style (leftmost placement, unchanged base first): chr4-186285654-A-AT. GRCh37 (hg19) VCF-style: chr4-187206808-A-AT.
Other names: c.1277dup, p.Leu426fs (NM_001440590.1, NM_001440596.1); c.1325dup, p.Leu442fs (NM_001440593.1); c.1055dup, p.Leu352fs (NM_001440605.1, NM_001440607.1); c.1007dup, p.Leu336fs (NM_001440606.1, NM_001440608.1); short protein forms L336fs, L352fs, L426fs, L442fs.
Identifiers: ClinVar variation 5010461 (VCV005010461.1).

ClinVar aggregate classification (germline): Pathogenic (1 of 4 stars; one submission).

Conditions:
Hereditary factor XI deficiency disease. Also called: PLASMA THROMBOPLASTIN ANTECEDENT DEFICIENCY; PTA DEFICIENCY; ROSENTHAL SYNDROME; Congenital factor XI deficiency. Identifiers: Orphanet 329, MedGen C0015523, MeSH D005173, MONDO:0012897, OMIM 612416.

Submission:

Myriad Genetics, Inc.
Classification: Pathogenic for Hereditary factor XI deficiency disease. Last evaluated: 2024-05-14. Review status: criteria provided, single submitter. Criteria: Myriad Autosomal Dominant, Autosomal Recessive and X-Linked Classification Criteria (2023). Collection method: clinical testing. Allele origin: unknown.
Comment: NM_000128.3(F11):c.1325dupT(L442Ffs*12) is expected to be pathogenic in the context of factor XI deficiency. This variant is predicted to lead to an abnormal or absent protein product due to the creation of a premature termination codon in F11, a gene where loss-of-function variants are known to be pathogenic. Please note: this variant was assessed in the context of healthy population screening.